The following is an entry in ClinVar:

NM_024675.3(PALB2):c.3114-?_3201+?del

Gene: PALB2 (partner and localizer of BRCA2; minus strand). Cytogenetic location: 16p12.2.
Variant type: Deletion.
Coding change: c.3114-?_3201+?del on transcript NM_024675.3.
Other names: c.3114-?_3201+?del (LRG_308t1).
Identifiers: ClinVar variation 216122 (VCV000216122.2).

ClinVar aggregate classification (germline): Pathogenic (1 of 4 stars; one submission).

Conditions:
Familial cancer of breast. Also called: Hereditary breast cancer; BREAST CANCER, FAMILIAL; hereditary breast carcinoma. Identifiers: Orphanet 227535, MedGen C0346153, MONDO:0016419, OMIM 114480. Disease mechanism: loss of function.

Submission:

Labcorp Genetics (formerly Invitae), Labcorp
Classification: Pathogenic for Familial cancer of breast. Last evaluated: 2017-01-13. Review status: criteria provided, single submitter. Criteria: Invitae Variant Classification Sherloc (09022015). Collection method: clinical testing. Allele origin: germline.
Comment: This variant is a gross deletion of the genomic region encompassing exon 11 of the PALB2 gene. This is predicted to result in a premature translational stop signal and is expected to result in an absent or disrupted protein product. Loss-of-function variants in PALB2 are known to be pathogenic. An exon 11 deletion has been reported in the literature in an individual affected with breast and ovarian cancer. Loss of heterozygosity of the wild-type allele was observed in both tumors (PMID: 24982446). For these reasons, this variant has been classified as Pathogenic.